The following is an entry in ClinVar:

ClinVar aggregate classification (germline): Uncertain significance. Review status: criteria provided, multiple submitters, no conflicts (2 of 4 stars). 2 submissions from 2 submitters: Uncertain significance (2). Last evaluated 2024-08-28.

Conditions:
Inborn genetic diseases. Identifiers: MedGen C0950123, MeSH D030342.

Submissions (2):

Ambry Genetics
Classification: Uncertain significance for Inborn genetic diseases. Last evaluated: 2024-08-28. Review status: criteria provided, single submitter. Criteria: Ambry Variant Classification Scheme 2023. Collection method: clinical testing. Allele origin: germline.

Labcorp Genetics (formerly Invitae), Labcorp
Classification: Uncertain significance. Last evaluated: 2022-03-13. Review status: criteria provided, single submitter. Criteria: Invitae Variant Classification Sherloc (09022015). Collection method: clinical testing. Allele origin: germline.
Comment: Algorithms developed to predict the effect of missense changes on protein structure and function are either unavailable or do not agree on the potential impact of this missense change (SIFT: "Deleterious"; PolyPhen-2: "Benign"; Align-GVGD: "Class C15"). In summary, the available evidence is currently insufficient to determine the role of this variant in disease. Therefore, it has been classified as a Variant of Uncertain Significance. This variant has not been reported in the literature in individuals affected with HARS2-related conditions. This sequence change replaces leucine, which is neutral and non-polar, with valine, which is neutral and non-polar, at codon 463 of the HARS2 protein (p.Leu463Val). This variant is not present in population databases (gnomAD no frequency).

NM_012208.4(HARS2):c.1387C>G (p.Leu463Val)

Gene: HARS2 (histidyl-tRNA synthetase 2, mitochondrial; plus strand). Cytogenetic location: 5q31.3.
Variant type: single nucleotide variant.
Coding change: c.1387C>G on transcript NM_012208.4 (MANE Select); coding-DNA position 1387, C replaced by G.
Protein change: p.Leu463Val; replaces leucine 463 with valine.
Molecular consequence: missense variant.
Genome position (GRCh38, 1-based): chr5:140,698,004, C>G. VCF-style: chr5-140698004-C-G. GRCh37 (hg19) VCF-style: chr5-140077589-C-G.
Other names: c.1312C>G, p.Leu438Val (NM_001278731.2); c.955C>G, p.Leu319Val (NM_001278732.2); c.1405C>G, p.Leu469Val (NM_001363535.2); c.1177C>G, p.Leu393Val (NM_001363536.2); c.1387C>G (NM_012208.2); short protein forms L319V, L438V, L463V, L469V, L393V.
Identifiers: ClinVar variation 1929330 (VCV001929330.6), dbSNP rs1759825907, ClinGen allele CA361203341.